The following is an entry in ClinVar:

ClinVar aggregate classification (germline): Conflicting classifications of pathogenicity. Review status: criteria provided, conflicting classifications (1 of 4 stars). 2 submissions from 2 submitters: Uncertain significance (1); Likely benign (1). Last evaluated 2025-07-31.

Conditions:
Hereditary cancer-predisposing syndrome. Also called: Neoplastic Syndromes, Hereditary; Tumor predisposition; Hereditary neoplastic syndrome; Hereditary Cancer Syndrome. Identifiers: Orphanet 140162, MedGen C0027672, MeSH D009386, MONDO:0015356.
Oligodontia-cancer predisposition syndrome. Also called: TOOTH AGENESIS-COLORECTAL CANCER SYNDROME. Identifiers: Orphanet 300576, MedGen C1837750, MONDO:0012075, OMIM 608615. Disease mechanism: loss of function.

Submissions (2):

Labcorp Genetics (formerly Invitae), Labcorp
Classification: Uncertain significance for Oligodontia-cancer predisposition syndrome. Last evaluated: 2025-07-31. Review status: criteria provided, single submitter. Criteria: Invitae Variant Classification Sherloc (09022015). Collection method: clinical testing. Allele origin: germline.
Comment: This sequence change replaces threonine, which is neutral and polar, with alanine, which is neutral and non-polar, at codon 672 of the AXIN2 protein (p.Thr672Ala). Information on the frequency of this variant in the gnomAD database is not available, as this variant may be reported differently in the database. This variant has not been reported in the literature in individuals affected with AXIN2-related conditions. ClinVar contains an entry for this variant (Variation ID: 579998). An algorithm developed to predict the effect of missense changes on protein structure and function outputs the following: PolyPhen-2: "Not Available". The alanine amino acid residue is found in multiple mammalian species, which suggests that this missense change does not adversely affect protein function. In summary, the available evidence is currently insufficient to determine the role of this variant in disease. Therefore, it has been classified as a Variant of Uncertain Significance.

Ambry Genetics
Classification: Likely benign for Hereditary cancer-predisposing syndrome. Last evaluated: 2024-05-15. Review status: criteria provided, single submitter. Criteria: Ambry Variant Classification Scheme 2023. Collection method: clinical testing. Allele origin: germline.

NM_004655.4(AXIN2):c.2013_2014inv (p.Thr672Ala)

Gene: AXIN2 (axin 2; minus strand). Cytogenetic location: 17q24.1.
Variant type: Inversion.
Coding change: c.2013_2014inv on transcript NM_004655.4 (MANE Select).
Protein change: p.Thr672Ala; replaces threonine 672 with alanine.
Molecular consequence: missense variant.
Genome position: GRCh38 VCF-style: chr17-65536447-TG-CA. GRCh37 (hg19) VCF-style: chr17-63532565-TG-CA.
Other names: c.2013_2014inv (LRG_296t1); c.1818_1819inv, p.Thr607Ala (NM_001363813.1); c.2013_2014delCAinsTG (NM_004655.3); short protein forms T672A, T607A.
Identifiers: ClinVar variation 579998 (VCV000579998.10), ClinGen allele CA891844415.
Genomic context (GRCh38, chr17:65,536,447, plus strand): 5'-TGGGTGGGGTCAGGGGAGGCATCGCAGGGTCCTGGGTGAACAGGTGGGCACGGGGGGTGG[TG>CA]CGGGGGTGCCCGCTGTTGCCCCCCCACAGATGGTGCCGGCTGGCTCGTTCGCCTGGAGAC-3'
Protein context (NP_004646.3, residues 662-682): LWGGNSGHPR[Thr672Ala]TPRAHLFTQD